The following is an entry in ClinVar:

NM_005529.7(HSPG2):c.732A>G (p.Thr244=)

Gene: HSPG2 (heparan sulfate proteoglycan 2; minus strand). Cytogenetic location: 1p36.12.
Variant type: single nucleotide variant.
Coding change: c.732A>G on transcript NM_005529.7 (MANE Select); coding-DNA position 732, A replaced by G.
Protein change: p.Thr244=; no amino-acid change (threonine 244 retained).
Molecular consequence: synonymous variant.
Genome position (GRCh38, 1-based): chr1:21,887,646, T>C on the plus strand (A>G on the coding strand, the complement: HSPG2 is on the minus strand). VCF-style: chr1-21887646-T-C. GRCh37 (hg19) VCF-style: chr1-22214139-T-C.
Other names: c.732A>G, p.Thr244= (NM_001291860.2).
Identifiers: ClinVar variation 497717 (VCV000497717.52), dbSNP rs139842104, ClinGen allele CA673720.

ClinVar aggregate classification (germline): Conflicting classifications of pathogenicity. Review status: criteria provided, conflicting classifications (1 of 4 stars). 8 submissions from 7 submitters: Uncertain significance (3); Benign (1); Likely benign (4). Last evaluated 2026-01-27.

Conditions:
Lethal Kniest-like syndrome (DDSH). Also called: Dyssegmental Dysplasia. Identifiers: Orphanet 1865, MedGen C1857100, MONDO:0009140, OMIM 224410.
Schwartz-Jampel syndrome. Also called: Myotonic myopathy dwarfism chondrodystrophy and ocular and facial abnormalities. Identifiers: Orphanet 800, MedGen C0036391, MONDO:0009717.

Allele frequency attached by ClinVar (database versions not stated): 1000 Genomes Project 30x 0.00016; ExAC 0.00042; TOPMed 0.00045; gnomAD exomes 0.00051 and 0.00101; gnomAD 0.00061 and 0.00062; ESP Exome Variant Server 0.00077.
gnomAD v4.1: 1,542 of 1,613,920 alleles (0.096%); highest among the groups gnomAD compares: Non-Finnish European, 0.13%; 1 homozygote.

Submissions (8):

Labcorp Genetics (formerly Invitae), Labcorp
Classification: Likely benign. Last evaluated: 2026-01-27. Review status: criteria provided, single submitter. Criteria: Invitae Variant Classification Sherloc (09022015). Collection method: clinical testing. Allele origin: germline.

Blueprint Genetics
Classification: Likely benign. Last evaluated: 2024-11-12. Review status: criteria provided, single submitter. Criteria: ACMG Guidelines, 2015. Collection method: clinical testing. Allele origin: germline.

CeGaT Center for Human Genetics Tuebingen
Classification: Likely benign. Last evaluated: 2024-05-01. Review status: criteria provided, single submitter. Criteria: CeGaT Center For Human Genetics Tuebingen Variant Classification Criteria Version 2. Collection method: clinical testing. Allele origin: germline. Affected: yes. Observed: 2 variant alleles.
Comment: HSPG2: BP4, BP7

ARUP Laboratories, Molecular Genetics and Genomics, ARUP Laboratories
Classification: Likely benign. Last evaluated: 2021-03-16. Review status: criteria provided, single submitter. Criteria: ARUP Molecular Germline Variant Investigation Process 2021. Collection method: clinical testing. Allele origin: germline.

Athena Diagnostics
Classification: Benign. Last evaluated: 2020-09-17. Review status: criteria provided, single submitter. Criteria: Athena Diagnostics criteria. Collection method: clinical testing. Allele origin: unknown.

Illumina Laboratory Services, Illumina
Classification: Uncertain significance for Lethal Kniest-like syndrome. Last evaluated: 2018-01-12. Review status: criteria provided, single submitter. Criteria: ICSL Variant Classification Criteria 13 December 2019. Collection method: clinical testing. Allele origin: germline.

Illumina Laboratory Services, Illumina
Classification: Uncertain significance for Schwartz-Jampel syndrome type 1. Last evaluated: 2018-01-12. Review status: criteria provided, single submitter. Criteria: ICSL Variant Classification Criteria 13 December 2019. Collection method: clinical testing. Allele origin: germline.

Eurofins Ntd Llc (ga)
Classification: Uncertain significance. Last evaluated: 2016-10-18. Review status: criteria provided, single submitter. Criteria: EGL Classification Definitions 2015. Collection method: clinical testing. Allele origin: germline. Observed: 1 variant allele, 1 heterozygote.